The following is an entry in ClinVar:

NM_001923.5(DDB1):c.424G>A (p.Val142Ile)

Gene: DDB1 (damage specific DNA binding protein 1; minus strand). Cytogenetic location: 11q12.2.
Variant type: single nucleotide variant.
Coding change: c.424G>A on transcript NM_001923.5 (MANE Select); coding-DNA position 424, G replaced by A.
Protein change: p.Val142Ile; replaces valine 142 with isoleucine.
Molecular consequence: missense variant.
Genome position (GRCh38, 1-based): chr11:61,329,488, C>T on the plus strand (G>A on the coding strand, the complement: DDB1 is on the minus strand). VCF-style: chr11-61329488-C-T. GRCh37 (hg19) VCF-style: chr11-61096960-C-T.
Other names: short protein forms V142I.
Identifiers: ClinVar variation 1809868 (VCV001809868.2), dbSNP rs2539690460, ClinGen allele CA380666837.

ClinVar aggregate classification (germline): Uncertain significance (1 of 4 stars; one submission).

Allele frequency attached by ClinVar (database versions not stated): gnomAD exomes below 0.00001.
gnomAD v4.1: 1 of 1,614,146 alleles (0.000062%); highest among the groups gnomAD compares: Non-Finnish European, 0.000085%; no homozygotes.

Submission:

GeneDx
Classification: Uncertain significance. Last evaluated: 2025-11-17. Review status: criteria provided, single submitter. Criteria: GeneDx Variant Classification Process June 2021. Collection method: clinical testing. Allele origin: germline. Affected: yes.
Comment: Not observed at significant frequency in large population cohorts (gnomAD); In silico analysis suggests that this missense variant does not alter protein structure/function; Has not been previously published as pathogenic or benign to our knowledge